The following is an entry in ClinVar:

ClinVar aggregate classification (germline): Pathogenic (1 of 4 stars; one submission).

Submission:

Labcorp Genetics (formerly Invitae), Labcorp
Classification: Pathogenic. Last evaluated: 2022-08-28. Review status: criteria provided, single submitter. Criteria: Invitae Variant Classification Sherloc (09022015). Collection method: clinical testing. Allele origin: germline.
Comment: A gross deletion of the genomic region encompassing the full coding sequence of the COL11A1 gene has been identified. Loss-of-function variants in COL11A1 are known to be pathogenic (PMID: 20513134, 21035103, 23922384, 25240749, 32427345, 32756486). The boundaries of this event are unknown as they extend beyond the assayed region for this gene and therefore may encompass additional genes. This variant has not been reported in the literature in individuals affected with COL11A1-related conditions. For these reasons, this variant has been classified as Pathogenic.

Literature cited by the submitters: PubMed 20513134; PubMed 21035103; PubMed 23922384; PubMed 25240749; PubMed 32427345; PubMed 32756486.

NC_000001.10:g.(?_103343575)_(103573734_?)del

Gene: COL11A1 (collagen type XI alpha 1 chain; minus strand). Cytogenetic location: 1p21.1.
Variant type: Deletion.
Identifiers: ClinVar variation 1460059 (VCV001460059.4).